The following is an entry in ClinVar:

ClinVar aggregate classification (germline): Uncertain significance (1 of 4 stars; one submission).

Allele frequency attached by ClinVar (database versions not stated): gnomAD exomes below 0.00001.
gnomAD v4.1: 1 of 1,211,502 alleles (0.000083%); highest among the groups gnomAD compares: Non-Finnish European, 0.00011%; no homozygotes.

Submission:

GeneDx
Classification: Uncertain significance. Last evaluated: 2021-03-31. Review status: criteria provided, single submitter. Criteria: GeneDx Variant Classification Process June 2021. Collection method: clinical testing. Allele origin: germline. Affected: yes.
Comment: Has not been previously published as pathogenic or benign to our knowledge; Not observed in large population cohorts (Lek et al., 2016); In silico analysis supports that this missense variant does not alter protein structure/function

NM_004493.3(HSD17B10):c.385A>G (p.Ile129Val)

Gene: HSD17B10 (hydroxysteroid 17-beta dehydrogenase 10; minus strand). Cytogenetic location: Xp11.22.
Variant type: single nucleotide variant.
Coding change: c.385A>G on transcript NM_004493.3 (MANE Select); coding-DNA position 385, A replaced by G.
Protein change: p.Ile129Val; replaces isoleucine 129 with valine.
Molecular consequence: missense variant.
Genome position (GRCh38, 1-based): chrX:53,432,089, T>C on the plus strand (A>G on the coding strand, the complement: HSD17B10 is on the minus strand). VCF-style: chrX-53432089-T-C. GRCh37 (hg19) VCF-style: chrX-53459037-T-C.
Other names: c.385A>G, p.Ile129Val (NM_001037811.2); short protein forms I129V.
Identifiers: ClinVar variation 1314329 (VCV001314329.2), dbSNP rs2146628065, ClinGen allele CA413152360.
Genomic context (GRCh38, chrX:53,432,089, plus strand): 5'-CCCCACGTTGGCCTCCCTGGTCTGGTTCATTCTGGCCCATCTCACCAGCCACCAGGCGGA[T>C]CACATTGAAGGTGCCCATGAGATTCACCTGTAGGACAGATGGAGACATGCTATAGGACCT-3'
Protein context (NP_004484.1, residues 119-139): DVNLMGTFNV[Ile129Val]RLVAGEMGQN